The following is an entry in ClinVar:

NM_177400.3(NKX6-2):c.83C>T (p.Ser28Leu)

Gene: NKX6-2 (NK6 homeobox 2; minus strand). Cytogenetic location: 10q26.3.
Variant type: single nucleotide variant.
Coding change: c.83C>T on transcript NM_177400.3 (MANE Select); coding-DNA position 83, C replaced by T.
Protein change: p.Ser28Leu; replaces serine 28 with leucine.
Molecular consequence: missense variant.
Genome position (GRCh38, 1-based): chr10:132,785,866, G>A on the plus strand (C>T on the coding strand, the complement: NKX6-2 is on the minus strand). VCF-style: chr10-132785866-G-A. GRCh37 (hg19) VCF-style: chr10-134599370-G-A.
Other names: short protein forms S28L.
Identifiers: ClinVar variation 1472045 (VCV001472045.6), dbSNP rs921652736, ClinGen allele CA216760422.
Genomic context (GRCh38, chr10:132,785,866, plus strand): 5'-AGGCCCCCCAGCGCGGGCGCCTTGAAGCCGGCCGGACCCTGCAGCGCGTAGGGGAACAGC[G>A]ACGTCTTCATCTCGGCCATGTTGTGCAGCGCGGCCAGCGGGGCACTGCTCAGCACGAACG-3'
Protein context (NP_796374.2, residues 18-38): ALHNMAEMKT[Ser28Leu]LFPYALQGPA

ClinVar aggregate classification (germline): Uncertain significance (1 of 4 stars; one submission).

Allele frequency attached by ClinVar (database versions not stated): gnomAD exomes below 0.00001; gnomAD 0.00001; TOPMed 0.00001.

Submission:

Labcorp Genetics (formerly Invitae), Labcorp
Classification: Uncertain significance. Last evaluated: 2021-12-02. Review status: criteria provided, single submitter. Criteria: Invitae Variant Classification Sherloc (09022015). Collection method: clinical testing. Allele origin: germline.
Comment: In summary, the available evidence is currently insufficient to determine the role of this variant in disease. Therefore, it has been classified as a Variant of Uncertain Significance. Algorithms developed to predict the effect of missense changes on protein structure and function are either unavailable or do not agree on the potential impact of this missense change (SIFT: "Deleterious"; PolyPhen-2: "Benign"; Align-GVGD: "Class C0"). This variant has not been reported in the literature in individuals affected with NKX6-2-related conditions. This variant is present in population databases (no rsID available, gnomAD 0.01%). This sequence change replaces serine, which is neutral and polar, with leucine, which is neutral and non-polar, at codon 28 of the NKX6-2 protein (p.Ser28Leu).